The following is an entry in ClinVar:

NM_006506.5(RASA2):c.663T>A (p.Phe221Leu)

Gene: RASA2 (RAS p21 protein activator 2; plus strand). Cytogenetic location: 3q23.
Variant type: single nucleotide variant.
Coding change: c.663T>A on transcript NM_006506.5 (MANE Select); coding-DNA position 663, T replaced by A.
Protein change: p.Phe221Leu; replaces phenylalanine 221 with leucine.
Molecular consequence: missense variant.
Genome position (GRCh38, 1-based): chr3:141,555,891, T>A. VCF-style: chr3-141555891-T-A. GRCh37 (hg19) VCF-style: chr3-141274733-T-A.
Other names: c.663T>A, p.Phe221Leu (NM_001303245.3, NM_001303246.3); short protein forms F221L.
Identifiers: ClinVar variation 4695488 (VCV004695488.1).
Genomic context (GRCh38, chr3:141,555,891, plus strand): 5'-TTGGAACAGGAATGACCAAAAGAAGACAAAAGTAAAGAAGAAAACAAGCAATCCGCAGTT[T>A]AATGAAATCTTTTATTTTGAGGTAATTTTTTGTTTTACGTAAATGTTAACATTAAATATG-3'
Protein context (NP_006497.2, residues 211-231): KVKKKTSNPQ[Phe221Leu]NEIFYFEVTR

ClinVar aggregate classification (germline): Uncertain significance (1 of 4 stars; one submission).

gnomAD v4.1: 3 of 1,611,160 alleles (0.00019%); highest among the groups gnomAD compares: Admixed American, 0.0033%; no homozygotes.

Submission:

Labcorp Genetics (formerly Invitae), Labcorp
Classification: Uncertain significance. Last evaluated: 2025-05-01. Review status: criteria provided, single submitter. Criteria: Invitae Variant Classification Sherloc (09022015). Collection method: clinical testing. Allele origin: germline.
Comment: This sequence change replaces phenylalanine, which is neutral and non-polar, with leucine, which is neutral and non-polar, at codon 221 of the RASA2 protein (p.Phe221Leu). This variant is not present in population databases (gnomAD no frequency). This variant has not been reported in the literature in individuals affected with RASA2-related conditions. Invitae Evidence Modeling of protein sequence and biophysical properties (such as structural, functional, and spatial information, amino acid conservation, physicochemical variation, residue mobility, and thermodynamic stability) indicates that this missense variant is expected to disrupt RASA2 protein function with a positive predictive value of 80%. In summary, the available evidence is currently insufficient to determine the role of this variant in disease. Therefore, it has been classified as a Variant of Uncertain Significance.